The following is an entry in ClinVar:

NM_172107.4(KCNQ2):c.1956G>A (p.Pro652=)

Gene: KCNQ2 (potassium voltage-gated channel subfamily Q member 2; minus strand). Cytogenetic location: 20q13.33.
Variant type: single nucleotide variant.
Coding change: c.1956G>A on transcript NM_172107.4 (MANE Select); coding-DNA position 1956, G replaced by A.
Protein change: p.Pro652=; no amino-acid change (proline 652 retained).
Molecular consequence: synonymous variant.
Genome position (GRCh38, 1-based): chr20:63,407,307, C>T on the plus strand (G>A on the coding strand, the complement: KCNQ2 is on the minus strand). VCF-style: chr20-63407307-C-T. GRCh37 (hg19) VCF-style: chr20-62038660-C-T.
Other names: c.1872G>A, p.Pro624= (NM_004518.6); c.1902G>A, p.Pro634= (NM_172106.3); c.1863G>A, p.Pro621= (NM_172108.5).
Identifiers: ClinVar variation 369813 (VCV000369813.13), dbSNP rs749070370, ClinGen allele CA9958188.

ClinVar aggregate classification (germline): Likely benign. Review status: criteria provided, multiple submitters, no conflicts (2 of 4 stars). 3 submissions from 3 submitters: Likely benign (2). 1 of the submissions does not count toward it. Last evaluated 2024-07-01.

Conditions:
Developmental and epileptic encephalopathy, 7 (DEE7). Also called: KCNQ2-Related Neonatal Epileptic Encephalopathy; Early infantile epileptic encephalopathy 7; KCNQ2-Related Neonatal-Onset Developmental and Epileptic Encephalopathy (NEO-DEE). Identifiers: Orphanet 439218, MedGen C3150986, MONDO:0013387, OMIM 613720.
Early-infantile DEE. Also called: Ohtahara syndrome; Early infantile epileptic encephalopathy with suppression bursts; Early infantile epileptic encephalopathy. Identifiers: Orphanet 1934, MedGen C0393706, MONDO:0800491.

Allele frequency attached by ClinVar (database versions not stated): ExAC 0.00001; gnomAD exomes 0.00001.
gnomAD v4.1: 10 of 1,596,340 alleles (0.00063%); highest among the groups gnomAD compares: East Asian, 0.0022%; no homozygotes.

Submissions (3):

Labcorp Genetics (formerly Invitae), Labcorp
Classification: Likely benign for Early-infantile DEE. Last evaluated: 2024-07-01. Review status: criteria provided, single submitter. Criteria: Invitae Variant Classification Sherloc (09022015). Collection method: clinical testing. Allele origin: germline.

Blueprint Genetics
Classification: Likely benign. Last evaluated: 2024-04-25. Review status: criteria provided, single submitter. Criteria: ACMG Guidelines, 2015. Collection method: clinical testing. Allele origin: germline.

GeneReviews
No classification provided. Condition: Developmental and epileptic encephalopathy, 7. Review status: no classification provided. Collection method: literature only. Allele origin: germline. Affected: yes. Not counted in ClinVar's aggregate classification.
Comment: EE (epileptic encephalopathy)

Literature cited by the submitters: PubMed 25959266 (cited by GeneReviews); NCBI Bookshelf NBK32534 (cited by GeneReviews).